The following is an entry in ClinVar:

NM_004991.4(MECOM):c.1664A>G (p.Lys555Arg)

Gene: MECOM (MDS1 and EVI1 complex locus; minus strand). Cytogenetic location: 3q26.2.
Variant type: single nucleotide variant.
Coding change: c.1664A>G on transcript NM_004991.4 (MANE Select); coding-DNA position 1664, A replaced by G.
Protein change: p.Lys555Arg; replaces lysine 555 with arginine.
Molecular consequence: missense variant. On other transcripts: intron variant (2).
Genome position (GRCh38, 1-based): chr3:169,116,208, T>C on the plus strand (A>G on the coding strand, the complement: MECOM is on the minus strand). VCF-style: chr3-169116208-T-C. GRCh37 (hg19) VCF-style: chr3-168833996-T-C.
Other names: c.1295A>G, p.Lys432Arg (NM_001105077.4); c.1100A>G, p.Lys367Arg (NM_001105078.4, NM_001164000.2, NM_001205194.2 and 4 more transcripts); c.1103A>G, p.Lys368Arg (NM_001163999.2, NM_001366467.2, NM_001366468.2 and 1 more transcripts); c.1664A>G, p.Lys555Arg (NM_001366466.2); c.1133-441A>G (NM_001366473.2); c.569-441A>G (NM_001366474.2); short protein forms K368R, K432R, K555R, K367R.
Identifiers: ClinVar variation 4053158 (VCV004053158.1).
Genomic context (GRCh38, chr3:169,116,208, plus strand): 5'-TCACTGATTTTCTCAAAGGGCCTCTCTTCAGAGGACCTCTCGGGCTGGAGCTCCACTGGC[T>C]TATTGTCCCCTACAGATGGGTGTTTAGATAGTGCCTTCAAAATATCCTGTGTAGCTGGCA-3'
Protein context (NP_004982.2, residues 545-565): LSKHPSVGDN[Lys555Arg]PVELQPERSS

ClinVar aggregate classification (germline): Uncertain significance (1 of 4 stars; one submission).

Conditions:
Inborn genetic diseases. Identifiers: MedGen C0950123, MeSH D030342.

gnomAD v4.1: 1 of 1,614,038 alleles (0.000062%); highest among the groups gnomAD compares: Non-Finnish European, 0.000085%; no homozygotes.

Submission:

Ambry Genetics
Classification: Uncertain significance for Inborn genetic diseases. Last evaluated: 2025-04-08. Review status: criteria provided, single submitter. Criteria: Ambry Variant Classification Scheme 2023. Collection method: clinical testing. Allele origin: germline.
Comment: The p.K555R variant (also known as c.1664A>G), located in coding exon 8 of the MECOM gene, results from an A to G substitution at nucleotide position 1664. The lysine at codon 555 is replaced by arginine, an amino acid with highly similar properties. This amino acid position is conserved. In addition, this alteration is predicted to be tolerated by in silico analysis. Based on the available evidence, the clinical significance of this variant remains unclear.